The following is an entry in ClinVar:

NM_182643.3(DLC1):c.1199G>A (p.Gly400Glu)

Gene: DLC1 (DLC1 Rho GTPase activating protein; minus strand). Cytogenetic location: 8p22.
Variant type: single nucleotide variant.
Coding change: c.1199G>A on transcript NM_182643.3 (MANE Select); coding-DNA position 1199, G replaced by A.
Protein change: p.Gly400Glu; replaces glycine 400 with glutamic acid.
Molecular consequence: missense variant. On other transcripts: 5 prime UTR variant (1).
Genome position (GRCh38, 1-based): chr8:13,393,668, C>T on the plus strand (G>A on the coding strand, the complement: DLC1 is on the minus strand). VCF-style: chr8-13393668-C-T. GRCh37 (hg19) VCF-style: chr8-13251177-C-T.
Other names: c.1199G>A, p.Gly400Glu (NM_001348081.2, NM_001413124.1, NM_001413125.1 and 1 more transcripts); c.-253G>A (NM_001348082.2); short protein forms G400E.
Identifiers: ClinVar variation 3684210 (VCV003684210.2).

ClinVar aggregate classification (germline): Uncertain significance (1 of 4 stars; one submission).

gnomAD v4.1: 16 of 1,613,802 alleles (0.00099%); highest among the groups gnomAD compares: African/African-American, 0.0013%; no homozygotes.

Submission:

Labcorp Genetics (formerly Invitae), Labcorp
Classification: Uncertain significance. Last evaluated: 2025-06-12. Review status: criteria provided, single submitter. Criteria: Invitae Variant Classification Sherloc (09022015). Collection method: clinical testing. Allele origin: germline.
Comment: This sequence change replaces glycine, which is neutral and non-polar, with glutamic acid, which is acidic and polar, at codon 400 of the DLC1 protein (p.Gly400Glu). This variant is present in population databases (rs754639420, gnomAD 0.003%). This variant has not been reported in the literature in individuals affected with DLC1-related conditions. ClinVar contains an entry for this variant (Variation ID: 3684210). An algorithm developed to predict the effect of missense changes on protein structure and function (PolyPhen-2) suggests that this variant is likely to be tolerated. In summary, the available evidence is currently insufficient to determine the role of this variant in disease. Therefore, it has been classified as a Variant of Uncertain Significance.